The following is an entry in ClinVar:

ClinVar aggregate classification (germline): Likely benign (0 of 4 stars; one submission).

Conditions:
SH3D19-related disorder. Also called: SH3D19-related condition.

Allele frequency attached by ClinVar (database versions not stated): ESP Exome Variant Server 0.00008; gnomAD 0.00009; TOPMed 0.00012.
gnomAD v4.1: 285 of 1,614,006 alleles (0.018%); highest among the groups gnomAD compares: Admixed American, 0.027%; no homozygotes.

Submission:

PreventionGenetics, part of Exact Sciences
Classification: Likely benign for SH3D19-related condition. Last evaluated: 2019-10-28. Review status: no assertion criteria provided. Collection method: clinical testing. Allele origin: germline.
Comment: This variant is classified as likely benign based on ACMG/AMP sequence variant interpretation guidelines (Richards et al. 2015 PMID: 25741868, with internal and published modifications).

NM_001378122.1(SH3D19):c.2031G>A (p.Pro677=)

Gene: SH3D19 (SH3 domain containing 19; minus strand). Cytogenetic location: 4q31.3.
Variant type: single nucleotide variant.
Coding change: c.2031G>A on transcript NM_001378122.1 (MANE Select); coding-DNA position 2031, G replaced by A.
Protein change: p.Pro677=; no amino-acid change (proline 677 retained).
Molecular consequence: synonymous variant.
Genome position (GRCh38, 1-based): chr4:151,147,973, C>T on the plus strand (G>A on the coding strand, the complement: SH3D19 is on the minus strand). VCF-style: chr4-151147973-C-T. GRCh37 (hg19) VCF-style: chr4-152069125-C-T.
Other names: c.1191G>A, p.Pro397= (NM_001009555.4, NM_001128923.2, NM_001243349.2 and 6 more transcripts); c.1083G>A, p.Pro361= (NM_001128924.2); c.2031G>A, p.Pro677= (NM_001378121.1); c.1854G>A, p.Pro618= (NM_001378123.1, NM_001378124.1).
Identifiers: ClinVar variation 3053221 (VCV003053221.2), dbSNP rs370910406, ClinGen allele CA3104669.
Genomic context (GRCh38, chr4:151,147,973, plus strand): 5'-TAAATTTACCATGTATTTACTGTAGAGAGGGTGTCCTGGTTTGGGACGAGGGGGTAGCAC[C>T]GGATCTTGATTTTTAAAAACTTGACTCTTGGCTTTTGAGAGTCCAGTTGCCAAGTTACTT-3'
Protein context (NP_001365051.1, residues 667-687): AKSQVFKNQD[Pro677=]VLPPRPKPGH